The following is an entry in ClinVar:

ClinVar aggregate classification (germline): Uncertain significance. Review status: criteria provided, multiple submitters, no conflicts (2 of 4 stars). 4 submissions from 4 submitters: Uncertain significance (3). 1 of the submissions does not count toward it. Last evaluated 2024-04-16.

Conditions:
Hypersulfaturia (HYSULF). Identifiers: MedGen C5830511, MONDO:0957268, OMIM 620372.
Nephrolithiasis susceptibility caused by SLC26A1 (CAON1). Also called: NEPHROLITHIASIS, CALCIUM OXALATE, 1. Identifiers: MedGen C5779632, MONDO:0020722, OMIM 167030.
SLC26A1-related disorder. Also called: SLC26A1-related condition.
Inborn genetic diseases. Identifiers: MedGen C0950123, MeSH D030342.

Allele frequency attached by ClinVar (database versions not stated): gnomAD exomes 0.00002; ExAC 0.00004; TOPMed 0.00005; gnomAD 0.00006; 1000 Genomes Project 30x 0.00016; 1000 Genomes Project 0.00020.
gnomAD v4.1: 41 of 1,606,062 alleles (0.0026%); highest among the groups gnomAD compares: East Asian, 0.031%; no homozygotes.

Submissions (4):

Fulgent Genetics
Classification: Uncertain significance for Nephrolithiasis susceptibility caused by SLC26A1; Hypersulfaturia. Last evaluated: 2024-04-16. Review status: criteria provided, single submitter. Criteria: ACMG Guidelines, 2015. Collection method: clinical testing. Allele origin: germline.

Ambry Genetics
Classification: Uncertain significance for Inborn genetic diseases. Last evaluated: 2023-12-18. Review status: criteria provided, single submitter. Criteria: Ambry Variant Classification Scheme 2023. Collection method: clinical testing. Allele origin: germline.

Labcorp Genetics (formerly Invitae), Labcorp
Classification: Uncertain significance. Last evaluated: 2023-07-22. Review status: criteria provided, single submitter. Criteria: Invitae Variant Classification Sherloc (09022015). Collection method: clinical testing. Allele origin: germline.
Comment: This sequence change replaces threonine, which is neutral and polar, with methionine, which is neutral and non-polar, at codon 57 of the SLC26A1 protein (p.Thr57Met). This variant is present in population databases (rs202108786, gnomAD 0.07%), and has an allele count higher than expected for a pathogenic variant. This variant has not been reported in the literature in individuals affected with SLC26A1-related conditions. An algorithm developed to predict the effect of missense changes on protein structure and function (PolyPhen-2) suggests that this variant is likely to be tolerated. In summary, the available evidence is currently insufficient to determine the role of this variant in disease. Therefore, it has been classified as a Variant of Uncertain Significance.

PreventionGenetics, part of Exact Sciences
Classification: Uncertain significance for SLC26A1-related condition. Last evaluated: 2024-02-05. Review status: no assertion criteria provided. Collection method: clinical testing. Allele origin: germline. Not counted in ClinVar's aggregate classification.
Comment: The SLC26A1 c.170C>T variant is predicted to result in the amino acid substitution p.Thr57Met. To our knowledge, this variant has not been reported in the literature. This variant is reported in 0.071% of alleles in individuals of East Asian descent in gnomAD. Although we suspect that this variant may be benign, at this time, the clinical significance of this variant is uncertain due to the absence of conclusive functional and genetic evidence.

NM_022042.4(SLC26A1):c.170C>T (p.Thr57Met)

Genes: IDUA (alpha-L-iduronidase; plus strand), SLC26A1 (solute carrier family 26 member 1; minus strand). Cytogenetic location: 4p16.3.
Variant type: single nucleotide variant.
Coding change: c.170C>T on transcript NM_022042.4 (MANE Select); coding-DNA position 170, C replaced by T.
Protein change: p.Thr57Met; replaces threonine 57 with methionine.
Molecular consequence: missense variant. On other transcripts: intron variant (1).
Genome position (GRCh38, 1-based): chr4:991,534, G>A on the plus strand (C>T on the coding strand, the complement: SLC26A1 is on the minus strand). VCF-style: chr4-991534-G-A. GRCh37 (hg19) VCF-style: chr4-985322-G-A.
Other names: c.170C>T (NM_213613.2); c.170C>T, p.Thr57Met (NM_134425.4, NM_213613.4); c.299+3585G>A (NM_000203.5); short protein forms T57M.
Identifiers: ClinVar variation 2956908 (VCV002956908.7), dbSNP rs202108786, ClinGen allele CA2801755.